The following is an entry in ClinVar:

NM_178857.6(RP1L1):c.976A>G (p.Lys326Glu)

Gene: RP1L1 (RP1 like 1). Cytogenetic location: 8p23.1.
Variant type: single nucleotide variant.
Coding change: c.976A>G on transcript NM_178857.6 (MANE Select); coding-DNA position 976, A replaced by G.
Protein change: p.Lys326Glu; replaces lysine 326 with glutamic acid.
Molecular consequence: missense variant.
Genome position (GRCh38, 1-based): chr8:10,613,122, T>C on the plus strand (A>G on the coding strand, the complement: RP1L1 is on the minus strand). VCF-style: chr8-10613122-T-C. GRCh37 (hg19) VCF-style: chr8-10470632-T-C.
Other names: short protein forms K326E.
Identifiers: ClinVar variation 1699723 (VCV001699723.6), dbSNP rs188580536, ClinGen allele CA4625372.

ClinVar aggregate classification (germline): Conflicting classifications of pathogenicity. Review status: criteria provided, conflicting classifications (1 of 4 stars). 4 submissions from 4 submitters: Uncertain significance (3); Likely benign (1). Last evaluated 2025-12-08.

Conditions:
RP1L1-related disorder. Also called: RP1L1-related condition.
Inborn genetic diseases. Identifiers: MedGen C0950123, MeSH D030342.

Allele frequency attached by ClinVar (database versions not stated): gnomAD exomes 0.00002 and 0.00008; ExAC 0.00012; 1000 Genomes Project 30x 0.00016; 1000 Genomes Project 0.00020; gnomAD 0.00030 and 0.00032; TOPMed 0.00030; ESP Exome Variant Server 0.00047.
gnomAD v4.1: 78 of 1,613,948 alleles (0.0048%); highest among the groups gnomAD compares: African/African-American, 0.1%; no homozygotes.

Submissions (4):

Ambry Genetics
Classification: Uncertain significance for Inborn genetic diseases. Last evaluated: 2025-12-08. Review status: criteria provided, single submitter. Criteria: Ambry Variant Classification Scheme 2023. Collection method: clinical testing. Allele origin: germline.

PreventionGenetics, part of Exact Sciences
Classification: Uncertain significance for RP1L1-related condition. Last evaluated: 2025-07-28. Review status: criteria provided, single submitter. Criteria: ACMG Guidelines, 2015. Collection method: clinical testing. Allele origin: germline.
Comment: The RP1L1 c.976A>G variant is predicted to result in the amino acid substitution p.Lys326Glu. To our knowledge, this variant has not been reported in the literature. This variant is reported in 0.14% of alleles in individuals of African descent in gnomAD. Although we suspect that this variant may be benign, at this time, the clinical significance of this variant is uncertain due to the absence of conclusive functional and genetic evidence.

Blueprint Genetics
Classification: Likely benign. Last evaluated: 2024-05-08. Review status: criteria provided, single submitter. Criteria: ACMG Guidelines, 2015. Collection method: clinical testing. Allele origin: germline.

GeneDx
Classification: Uncertain significance. Last evaluated: 2022-01-25. Review status: criteria provided, single submitter. Criteria: GeneDx Variant Classification Process June 2021. Collection method: clinical testing. Allele origin: germline. Affected: yes.
Comment: In silico analysis supports that this missense variant has a deleterious effect on protein structure/function; Has not been previously published as pathogenic or benign to our knowledge